The following is an entry in ClinVar:

ClinVar aggregate classification (germline): Uncertain significance (1 of 4 stars; one submission).

Submission:

Ambry Genetics
Classification: Uncertain significance. Last evaluated: 2025-01-25. Review status: criteria provided, single submitter. Criteria: Ambry Variant Classification Scheme 2023. Collection method: clinical testing. Allele origin: germline.
Comment: The p.E102G variant (also known as c.305A>G), located in coding exon 3 of the SRP72 gene, results from an A to G substitution at nucleotide position 305. The glutamic acid at codon 102 is replaced by glycine, an amino acid with similar properties. This amino acid position is conserved. In addition, the in silico prediction for this alteration is inconclusive. Based on the available evidence, the clinical significance of this variant remains unclear.

NM_006947.4(SRP72):c.305A>G (p.Glu102Gly)

Gene: SRP72 (signal recognition particle 72; plus strand). Cytogenetic location: 4q12.
Variant type: single nucleotide variant.
Coding change: c.305A>G on transcript NM_006947.4 (MANE Select); coding-DNA position 305, A replaced by G.
Protein change: p.Glu102Gly; replaces glutamic acid 102 with glycine.
Molecular consequence: missense variant. On other transcripts: non-coding transcript variant (1).
Genome position (GRCh38, 1-based): chr4:56,471,794, A>G. VCF-style: chr4-56471794-A-G. GRCh37 (hg19) VCF-style: chr4-57337960-A-G.
Other names: c.305A>G, p.Glu102Gly (NM_001267722.2); short protein forms E102G.
Identifiers: ClinVar variation 3801465 (VCV003801465.1).